The following is an entry in ClinVar:

NM_006767.4(LZTR1):c.1375C>T (p.His459Tyr)

Gene: LZTR1 (leucine zipper like post translational regulator 1; plus strand). Cytogenetic location: 22q11.21.
Variant type: single nucleotide variant.
Coding change: c.1375C>T on transcript NM_006767.4 (MANE Select); coding-DNA position 1375, C replaced by T.
Protein change: p.His459Tyr; replaces histidine 459 with tyrosine.
Molecular consequence: missense variant.
Genome position (GRCh38, 1-based): chr22:20,993,945, C>T. VCF-style: chr22-20993945-C-T. GRCh37 (hg19) VCF-style: chr22-21348234-C-T.
Other names: c.1375C>T (NM_006767.3); short protein forms H459Y.
Identifiers: ClinVar variation 3691072 (VCV003691072.3).

ClinVar aggregate classification (germline): Uncertain significance. Review status: criteria provided, multiple submitters, no conflicts (2 of 4 stars). 2 submissions from 2 submitters: Uncertain significance (2). Last evaluated 2026-05-30.

Conditions:
Cardiovascular phenotype. Identifiers: MedGen CN230736.
Hereditary cancer-predisposing syndrome. Also called: Hereditary Cancer Syndrome; Hereditary neoplastic syndrome; Neoplastic Syndromes, Hereditary; Tumor predisposition. Identifiers: Orphanet 140162, MedGen C0027672, MeSH D009386, MONDO:0015356.

Submissions (2):

Ambry Genetics
Classification: Uncertain significance for Cardiovascular phenotype; Hereditary cancer-predisposing syndrome. Last evaluated: 2026-05-30. Review status: criteria provided, single submitter. Criteria: Ambry Variant Classification Scheme 2023. Collection method: clinical testing. Allele origin: germline.
Comment: The p.H459Y variant (also known as c.1375C>T), located in coding exon 13 of the LZTR1 gene, results from a C to T substitution at nucleotide position 1375. The histidine at codon 459 is replaced by tyrosine, an amino acid with similar properties. This amino acid position is conserved. In addition, this alteration is predicted to be deleterious by in silico analysis. Based on the available evidence, the clinical significance of this variant remains unclear.

Labcorp Genetics (formerly Invitae), Labcorp
Classification: Uncertain significance. Last evaluated: 2024-10-12. Review status: criteria provided, single submitter. Criteria: Invitae Variant Classification Sherloc (09022015). Collection method: clinical testing. Allele origin: germline.
Comment: This sequence change replaces histidine, which is basic and polar, with tyrosine, which is neutral and polar, at codon 459 of the LZTR1 protein (p.His459Tyr). This variant is not present in population databases (gnomAD no frequency). This variant has not been reported in the literature in individuals affected with LZTR1-related conditions. Invitae Evidence Modeling of protein sequence and biophysical properties (such as structural, functional, and spatial information, amino acid conservation, physicochemical variation, residue mobility, and thermodynamic stability) indicates that this missense variant is not expected to disrupt LZTR1 protein function with a negative predictive value of 80%. In summary, the available evidence is currently insufficient to determine the role of this variant in disease. Therefore, it has been classified as a Variant of Uncertain Significance.